The following is an entry in ClinVar:

NM_001127222.2(CACNA1A):c.3547G>A (p.Val1183Ile)

Gene: CACNA1A (calcium voltage-gated channel subunit alpha1 A; minus strand). Cytogenetic location: 19p13.13.
Variant type: single nucleotide variant.
Coding change: c.3547G>A on transcript NM_001127222.2 (MANE Select); coding-DNA position 3547, G replaced by A.
Protein change: p.Val1183Ile; replaces valine 1183 with isoleucine.
Molecular consequence: missense variant.
Genome position (GRCh38, 1-based): chr19:13,286,509, C>T on the plus strand (G>A on the coding strand, the complement: CACNA1A is on the minus strand). VCF-style: chr19-13286509-C-T. GRCh37 (hg19) VCF-style: chr19-13397323-C-T.
Other names: c.3559G>A, p.Val1187Ile (NM_000068.4, NM_023035.3); c.3550G>A, p.Val1184Ile (NM_001127221.2, NM_001174080.2); short protein forms V1184I, V1187I, V1183I.
Identifiers: ClinVar variation 425161 (VCV000425161.58), dbSNP rs373224251, ClinGen allele CA9240285.

ClinVar aggregate classification (germline): Conflicting classifications of pathogenicity. Review status: criteria provided, conflicting classifications (1 of 4 stars). 7 submissions from 7 submitters: Uncertain significance (1); Likely benign (6). Last evaluated 2026-09-01.

Conditions:
Inborn genetic diseases. Identifiers: MedGen C0950123, MeSH D030342.
Developmental and epileptic encephalopathy, 42 (DEE42A). Also called: Epileptic encephalopathy, early infantile, 42; DEVELOPMENTAL AND EPILEPTIC ENCEPHALOPATHY 42A; EPILEPTIC ENCEPHALOPATHY, EARLY INFANTILE, 42A. Identifiers: MedGen C4310716, MONDO:0014917, OMIM 617106.
Episodic ataxia type 2 (EA2). Also called: ACETAZOLAMIDE-RESPONSIVE HEREDITARY PAROXYSMAL CEREBELLAR ATAXIA; ATAXIA, EPISODIC, WITH NYSTAGMUS; ATAXIA, FAMILIAL PAROXYSMAL; CEREBELLAR ATAXIA, PAROXYSMAL, ACETAZOLAMIDE-RESPONSIVE; CEREBELLOPATHY, HEREDITARY PAROXYSMAL; EPISODIC ATAXIA, NYSTAGMUS-ASSOCIATED. Identifiers: Orphanet 97, MedGen C1720416, MONDO:0007163, OMIM 108500.

Allele frequency attached by ClinVar (database versions not stated): gnomAD 0.00003 and 0.00004; TOPMed 0.00005; gnomAD exomes 0.00006; ExAC 0.00008; ESP Exome Variant Server 0.00008.
gnomAD v4.1: 65 of 1,429,714 alleles (0.0045%); highest among the groups gnomAD compares: Middle Eastern, 0.037%; 1 homozygote.

Submissions (7):

CeGaT Center for Human Genetics Tuebingen
Classification: Likely benign. Last evaluated: 2026-09-01. Review status: criteria provided, single submitter. Criteria: CeGaT Center For Human Genetics Tuebingen Variant Classification Criteria Version 2. Collection method: clinical testing. Allele origin: germline. Affected: yes. Observed: 10 variant alleles.
Comment: CACNA1A: BS2

Labcorp Genetics (formerly Invitae), Labcorp
Classification: Likely benign for Developmental and epileptic encephalopathy, 42; Episodic ataxia type 2. Last evaluated: 2025-09-27. Review status: criteria provided, single submitter. Criteria: Invitae Variant Classification Sherloc (09022015). Collection method: clinical testing. Allele origin: germline.

Laboratory of Genetics, Children's Clinical University Hospital Latvia
Classification: Likely benign. Last evaluated: 2025-02-16. Review status: criteria provided, single submitter. Criteria: ACMG Guidelines, 2015. Collection method: clinical testing. Allele origin: germline. Affected: yes.

Blueprint Genetics
Classification: Likely benign. Last evaluated: 2024-11-07. Review status: criteria provided, single submitter. Criteria: ACMG Guidelines, 2015. Collection method: clinical testing. Allele origin: germline.

Ambry Genetics
Classification: Likely benign for Inborn genetic diseases. Last evaluated: 2022-10-12. Review status: criteria provided, single submitter. Criteria: Ambry Variant Classification Scheme 2023. Collection method: clinical testing. Allele origin: germline.

GeneDx
Classification: Likely benign. Last evaluated: 2021-01-19. Review status: criteria provided, single submitter. Criteria: GeneDx Variant Classification Process June 2021. Collection method: clinical testing. Allele origin: germline. Affected: yes.

Institute of Human Genetics, University of Leipzig Medical Center
Classification: Uncertain significance for Developmental and epileptic encephalopathy, 42. Last evaluated: 2019-01-01. Review status: criteria provided, single submitter. Criteria: ACMG Guidelines, 2015. Collection method: clinical testing. Allele origin: unknown. Affected: yes.